The following is an entry in ClinVar:

NM_031892.3(SH3KBP1):c.1635C>A (p.Asn545Lys)

Gene: SH3KBP1 (SH3 domain containing kinase binding protein 1; minus strand). Cytogenetic location: Xp22.12.
Variant type: single nucleotide variant.
Coding change: c.1635C>A on transcript NM_031892.3 (MANE Select); coding-DNA position 1635, C replaced by A.
Protein change: p.Asn545Lys; replaces asparagine 545 with lysine.
Molecular consequence: missense variant.
Genome position (GRCh38, 1-based): chrX:19,542,182, G>T on the plus strand (C>A on the coding strand, the complement: SH3KBP1 is on the minus strand). VCF-style: chrX-19542182-G-T. GRCh37 (hg19) VCF-style: chrX-19560300-G-T.
Other names: c.1524C>A, p.Asn508Lys (NM_001024666.3); c.921C>A, p.Asn307Lys (NM_001184960.2); c.1506C>A, p.Asn502Lys (NM_001353890.2); c.1710C>A, p.Asn570Lys (NM_001353891.2); c.1581C>A, p.Asn527Lys (NM_001353892.2); c.1533C>A, p.Asn511Lys (NM_001353893.2); c.1404C>A, p.Asn468Lys (NM_001353894.2); c.1461C>A, p.Asn487Lys (NM_001353895.2); and 1 more; short protein forms N264K, N307K, N468K, N487K, N502K, N508K, N511K, N527K.
Identifiers: ClinVar variation 998709 (VCV000998709.8), dbSNP rs1359848466, ClinGen allele CA412496139.
Genomic context (GRCh38, chrX:19,542,182, plus strand): 5'-AGGGGCTGGCCCACCGCCACCTGCTGCCATGGTCCCCGGCTTGGGCGGCAGGGATGCTTT[G>T]TTGTCAGACACCTGTGACGAGGGAAGGCAGGGAGGGTTCAGGGCCGGGGATTTGTGTGCT-3'
Protein context (NP_114098.1, residues 535-555): KTVTISQVSD[Asn545Lys]KASLPPKPGT

ClinVar aggregate classification (germline): Uncertain significance (1 of 4 stars; one submission).

Submission:

Labcorp Genetics (formerly Invitae), Labcorp
Classification: Uncertain significance. Last evaluated: 2022-02-08. Review status: criteria provided, single submitter. Criteria: Invitae Variant Classification Sherloc (09022015). Collection method: clinical testing. Allele origin: germline.
Comment: This variant has not been reported in the literature in individuals affected with SH3KBP1-related conditions. ClinVar contains an entry for this variant (Variation ID: 998709). Algorithms developed to predict the effect of missense changes on protein structure and function (SIFT, PolyPhen-2, Align-GVGD) all suggest that this variant is likely to be tolerated. In summary, the available evidence is currently insufficient to determine the role of this variant in disease. Therefore, it has been classified as a Variant of Uncertain Significance. This variant is not present in population databases (gnomAD no frequency). This sequence change replaces asparagine, which is neutral and polar, with lysine, which is basic and polar, at codon 545 of the SH3KBP1 protein (p.Asn545Lys).